The following is an entry in ClinVar:

NM_003072.5(SMARCA4):c.2678del (p.Leu893fs)

Gene: SMARCA4 (SWI/SNF related BAF chromatin remodeling complex subunit ATPase 4; plus strand). Cytogenetic location: 19p13.2.
Variant type: Deletion.
Coding change: c.2678del on transcript NM_003072.5 (MANE Select); coding-DNA position 2678, one base deleted (T; older notation c.2678delT).
Protein change: p.Leu893fs; shifts the reading frame from leucine 893.
Molecular consequence: frameshift variant. On other transcripts: non-coding transcript variant (1).
Genome position (GRCh38, 1-based): chr19:11,021,786, T deleted. VCF-style (leftmost placement, unchanged base first): chr19-11021785-CT-C. GRCh37 (hg19) VCF-style: chr19-11132461-CT-C.
Other names: c.2678del, p.Leu893fs (NM_001128844.3, NM_001128845.2, NM_001128846.2 and 6 more transcripts); short protein forms L893fs.
Identifiers: ClinVar variation 5029884 (VCV005029884.1).

ClinVar aggregate classification (germline): Pathogenic (1 of 4 stars; one submission).

Conditions:
Hereditary cancer-predisposing syndrome. Also called: Neoplastic Syndromes, Hereditary; Tumor predisposition; Hereditary neoplastic syndrome; Hereditary Cancer Syndrome. Identifiers: Orphanet 140162, MedGen C0027672, MeSH D009386, MONDO:0015356.

Submission:

Ambry Genetics
Classification: Pathogenic for Hereditary cancer-predisposing syndrome. Last evaluated: 2026-08-27. Review status: criteria provided, single submitter. Criteria: Ambry Variant Classification Scheme 2023. Collection method: clinical testing. Allele origin: germline.
Comment: The c.2678delT pathogenic mutation, located in coding exon 18 of the SMARCA4 gene, results from a deletion of one nucleotide at nucleotide position 2678, causing a translational frameshift with a predicted alternate stop codon (p.L893Rfs*17). This alteration is expected to result in loss of function by premature protein truncation or nonsense-mediated mRNA decay. Loss-of-function variants in SMARCA4 are known to cause rhabdoid tumor predisposition syndrome including small cell carcinoma of the ovary-hypercalcemic type (SCCOHT); however, such associations with neurodevelopmental disorders are exceedingly rare (Kosho T et al. Am J Med Genet C Semin Med Genet. 2014 Sep;166C(3):262-75; Jelinic P et al. Nat Genet. 2014 May;46(5):424-6). Based on the supporting evidence, this variant is pathogenic for rhabdoid tumor predisposition syndrome; however, the association of this variant with Coffin-Siris syndrome is unlikely.